The following is an entry in ClinVar:

NM_005189.3(CBX2):c.1128C>T (p.Thr376=)

Gene: CBX2 (chromobox 2; plus strand). Cytogenetic location: 17q25.3.
Variant type: single nucleotide variant.
Coding change: c.1128C>T on transcript NM_005189.3 (MANE Select); coding-DNA position 1128, C replaced by T.
Protein change: p.Thr376=; no amino-acid change (threonine 376 retained).
Molecular consequence: synonymous variant.
Genome position (GRCh38, 1-based): chr17:79,784,571, C>T. VCF-style: chr17-79784571-C-T. GRCh37 (hg19) VCF-style: chr17-77758370-C-T.
Identifiers: ClinVar variation 3049157 (VCV003049157.3), dbSNP rs544093912, ClinGen allele CA8811431.

ClinVar aggregate classification (germline): Benign. Review status: criteria provided, single submitter (1 of 4 stars). 2 submissions from 2 submitters: Benign (1). 1 of the submissions does not count toward it. Last evaluated 2025-04-08.

Conditions:
CBX2-related disorder. Also called: CBX2-related condition.

Allele frequency attached by ClinVar (database versions not stated): TOPMed 0.00004; gnomAD 0.00019; ExAC 0.00061; 1000 Genomes Project 0.00180; 1000 Genomes Project 30x 0.00234.
gnomAD v4.1: 356 of 1,612,624 alleles (0.022%); highest among the groups gnomAD compares: South Asian, 0.31%; 1 homozygote.

Submissions (2):

Labcorp Genetics (formerly Invitae), Labcorp
Classification: Benign. Last evaluated: 2025-04-08. Review status: criteria provided, single submitter. Criteria: Invitae Variant Classification Sherloc (09022015). Collection method: clinical testing. Allele origin: germline.

PreventionGenetics, part of Exact Sciences
Classification: Likely benign for CBX2-related condition. Last evaluated: 2019-11-16. Review status: no assertion criteria provided. Collection method: clinical testing. Allele origin: germline. Not counted in ClinVar's aggregate classification.
Comment: This variant is classified as likely benign based on ACMG/AMP sequence variant interpretation guidelines (Richards et al. 2015 PMID: 25741868, with internal and published modifications).